The following is an entry in ClinVar:

NM_004415.4(DSP):c.4859A>G (p.Glu1620Gly)

Gene: DSP (desmoplakin; plus strand). Cytogenetic location: 6p24.3.
Variant type: single nucleotide variant.
Coding change: c.4859A>G on transcript NM_004415.4 (MANE Select); coding-DNA position 4859, A replaced by G.
Protein change: p.Glu1620Gly; replaces glutamic acid 1620 with glycine.
Molecular consequence: missense variant. On other transcripts: intron variant (2).
Genome position (GRCh38, 1-based): chr6:7,581,049, A>G. VCF-style: chr6-7581049-A-G. GRCh37 (hg19) VCF-style: chr6-7581282-A-G.
Other names: c.4050+809A>G (NM_001319034.2); c.3582+1277A>G (NM_001008844.3); short protein forms E1620G.
Identifiers: ClinVar variation 1172104 (VCV001172104.8), dbSNP rs1423503309, ClinGen allele CA362687316.

ClinVar aggregate classification (germline): Conflicting classifications of pathogenicity. Review status: criteria provided, conflicting classifications (1 of 4 stars). 2 submissions from 2 submitters: Uncertain significance (1); Likely benign (1). Last evaluated 2024-08-20.

Conditions:
Arrhythmogenic cardiomyopathy with wooly hair and keratoderma. Also called: Dilated cardiomyopathy with woolly hair and keratoderma; PALMOPLANTAR KERATODERMA WITH LEFT VENTRICULAR CARDIOMYOPATHY AND WOOLLY HAIR; Carvajal syndrome; Arrhythmogenic cardiomyopathy with woolly hair and keratoderma. Identifiers: Orphanet 65282, MedGen C1854063, MONDO:0011581, OMIM 605676.
Arrhythmogenic right ventricular dysplasia 8 (ARVD8). Also called: Arrhythmogenic Right Ventricular Dysplasia/Cardiomyopathy 8; ARRHYTHMOGENIC RIGHT VENTRICULAR DYSPLASIA, FAMILIAL, 8; ARRHYTHMOGENIC RIGHT VENTRICULAR CARDIOMYOPATHY 8. Identifiers: MedGen C1843896, MONDO:0011831, OMIM 607450.
Cardiomyopathy (CMYO). Also called: Cardiomyopathies. Identifiers: Orphanet 167848, MedGen C0878544, MONDO:0004994, HP:0001638. Inheritance: Various modes of inheritance.

Allele frequency attached by ClinVar (database versions not stated): gnomAD 0.00001.
gnomAD v4.1: 1 of 1,613,976 alleles (0.000062%); highest among the groups gnomAD compares: African/African-American, 0.0013%; no homozygotes.

Submissions (2):

Labcorp Genetics (formerly Invitae), Labcorp
Classification: Likely benign for Arrhythmogenic cardiomyopathy with wooly hair and keratoderma; Arrhythmogenic right ventricular dysplasia 8. Last evaluated: 2024-08-20. Review status: criteria provided, single submitter. Criteria: Invitae Variant Classification Sherloc (09022015). Collection method: clinical testing. Allele origin: germline.

Color Diagnostics, LLC DBA Color Health
Classification: Uncertain significance for Cardiomyopathy. Last evaluated: 2024-03-07. Review status: criteria provided, single submitter. Criteria: ACMG Guidelines, 2015. Collection method: clinical testing. Allele origin: germline.
Comment: This missense variant replaces glutamic acid with glycine at codon 1620 of the DSP protein. Computational prediction suggests that this variant may not impact protein structure and function (internally defined REVEL score threshold <= 0.5, PMID: 27666373). To our knowledge, functional studies have not been reported for this variant. This variant has not been reported in individuals affected with cardiovascular disorders in the literature. This variant has been identified in 1/31408 chromosomes in the general population by the Genome Aggregation Database (gnomAD). The available evidence is insufficient to determine the role of this variant in disease conclusively. Therefore, this variant is classified as a Variant of Uncertain Significance.